The following is an entry in ClinVar:

ClinVar aggregate classification (germline): Conflicting classifications of pathogenicity. Review status: criteria provided, conflicting classifications (1 of 4 stars). 3 submissions from 3 submitters: Uncertain significance (1); Likely benign (2). Last evaluated 2025-10-02.

Allele frequency attached by ClinVar (database versions not stated): gnomAD exomes 0.00001; gnomAD 0.00007; TOPMed 0.00010.
gnomAD v4.1: 25 of 1,613,926 alleles (0.0015%); highest among the groups gnomAD compares: African/African-American, 0.02%; no homozygotes.

Submissions (3):

Labcorp Genetics (formerly Invitae), Labcorp
Classification: Likely benign. Last evaluated: 2025-10-02. Review status: criteria provided, single submitter. Criteria: Invitae Variant Classification Sherloc (09022015). Collection method: clinical testing. Allele origin: germline.

Dasa
Classification: Uncertain significance. Last evaluated: 2025-06-28. Review status: criteria provided, single submitter. Criteria: DASA Assertion Criteria. Collection method: clinical testing. Allele origin: germline.
Comment: NM_001037333.3(CYFIP2):c.2323A>G (p.Met775Val) is a missense variant that results in the substitution of methionine with valine. This variant is rare in population databases. Computational prediction algorithms are consistent with a benign effect. The currently available literature and clinical evidence are not sufficient to establish a definitive association between this variant and the reported condition. Therefore, this variant is classified as a variant of uncertain significance.

Blueprint Genetics
Classification: Likely benign. Last evaluated: 2023-03-02. Review status: criteria provided, single submitter. Criteria: ACMG Guidelines, 2015. Collection method: clinical testing. Allele origin: germline.

NM_001037333.3(CYFIP2):c.2323A>G (p.Met775Val)

Gene: CYFIP2 (cytoplasmic FMR1 interacting protein 2; plus strand). Cytogenetic location: 5q33.3.
Variant type: single nucleotide variant.
Coding change: c.2323A>G on transcript NM_001037333.3 (MANE Select); coding-DNA position 2323, A replaced by G.
Protein change: p.Met775Val; replaces methionine 775 with valine.
Molecular consequence: missense variant.
Genome position (GRCh38, 1-based): chr5:157,333,384, A>G. VCF-style: chr5-157333384-A-G. GRCh37 (hg19) VCF-style: chr5-156760392-A-G.
Other names: c.2245A>G, p.Met749Val (NM_001291721.2); c.2398A>G, p.Met800Val (NM_001291722.2); c.2323A>G, p.Met775Val (NM_014376.4); short protein forms M749V, M800V, M775V.
Identifiers: ClinVar variation 1982608 (VCV001982608.7), dbSNP rs915714723, ClinGen allele CA130181525.